The following is an entry in ClinVar:

ClinVar aggregate classification (germline): Likely pathogenic. Review status: criteria provided, multiple submitters, no conflicts (2 of 4 stars). 2 submissions from 2 submitters: Likely pathogenic (2). Last evaluated 2022-03-09.

Conditions:
Joubert syndrome. Also called: CEREBELLOPARENCHYMAL DISORDER IV; JOUBERT-BOLTSHAUSER SYNDROME; Familial aplasia of the vermis. Identifiers: Orphanet 475, MedGen C5979921, MONDO:0018772.
Meckel-Gruber syndrome. Also called: DYSENCEPHALIA SPLANCHNOCYSTICA; GRUBER SYNDROME; Dysencephalia splachnocystica. Identifiers: Orphanet 564, MedGen C0265215, MONDO:0018921.
Bardet-Biedl syndrome 13 (BBS13). Identifiers: Orphanet 110, MedGen C2673873, MONDO:0014441, OMIM 615990.

Allele frequency attached by ClinVar (database versions not stated): gnomAD exomes below 0.00001; ExAC 0.00001.
gnomAD v4.1: 2 of 1,597,258 alleles (0.00013%); highest among the groups gnomAD compares: South Asian, 0.0022%; no homozygotes.

Submissions (2):

Labcorp Genetics (formerly Invitae), Labcorp
Classification: Likely pathogenic for Joubert syndrome; Meckel-Gruber syndrome. Last evaluated: 2022-03-09. Review status: criteria provided, single submitter. Criteria: Invitae Variant Classification Sherloc (09022015). Collection method: clinical testing. Allele origin: germline.
Comment: Algorithms developed to predict the effect of sequence changes on RNA splicing suggest that this variant may disrupt the consensus splice site. In summary, the currently available evidence indicates that the variant is pathogenic, but additional data are needed to prove that conclusively. Therefore, this variant has been classified as Likely Pathogenic. This variant has not been reported in the literature in individuals affected with MKS1-related conditions. This variant is present in population databases (rs745518012, gnomAD 0.003%). This sequence change affects a donor splice site in intron 2 of the MKS1 gene. It is expected to disrupt RNA splicing. Variants that disrupt the donor or acceptor splice site typically lead to a loss of protein function (PMID: 16199547), and loss-of-function variants in MKS1 are known to be pathogenic (PMID: 19466712, 24886560, 26490104).

Baylor Genetics
Classification: Likely pathogenic for Bardet-Biedl syndrome 13. Last evaluated: 2021-12-23. Review status: criteria provided, single submitter. Criteria: ACMG Guidelines, 2015. Collection method: clinical testing. Allele origin: unknown.

Literature cited by the submitters: PubMed 16199547 (cited by Labcorp Genetics (formerly Invitae), Labcorp); PubMed 19466712 (cited by Labcorp Genetics (formerly Invitae), Labcorp); PubMed 24886560 (cited by Labcorp Genetics (formerly Invitae), Labcorp); PubMed 26490104 (cited by Labcorp Genetics (formerly Invitae), Labcorp).

NM_017777.4(MKS1):c.190+1G>A

Gene: MKS1 (MKS transition zone complex subunit 1; minus strand). Cytogenetic location: 17q22.
Variant type: single nucleotide variant.
Coding change: c.190+1G>A on transcript NM_017777.4 (MANE Select); the canonical splice donor site of the intron after coding-DNA position 190, G replaced by A.
Molecular consequence: splice donor variant.
Genome position (GRCh38, 1-based): chr17:58,218,619, C>T on the plus strand (G>A on the coding strand, the complement: MKS1 is on the minus strand). VCF-style: chr17-58218619-C-T. GRCh37 (hg19) VCF-style: chr17-56295980-C-T.
Other names: c.-322+1G>A (NM_001321268.2); c.190+1G>A (NM_001330397.2, NM_001321269.2, NM_001411113.1).
Identifiers: ClinVar variation 2108139 (VCV002108139.5), dbSNP rs745518012, ClinGen allele CA8669631.